The following is an entry in ClinVar:

NM_000257.4(MYH7):c.1549C>G (p.Leu517Val)

Gene: MYH7 (myosin heavy chain 7; minus strand). Cytogenetic location: 14q11.2.
Variant type: single nucleotide variant.
Coding change: c.1549C>G on transcript NM_000257.4 (MANE Select); coding-DNA position 1549, C replaced by G.
Protein change: p.Leu517Val; replaces leucine 517 with valine.
Molecular consequence: missense variant.
Genome position (GRCh38, 1-based): chr14:23,428,529, G>C on the plus strand (C>G on the coding strand, the complement: MYH7 is on the minus strand). VCF-style: chr14-23428529-G-C. GRCh37 (hg19) VCF-style: chr14-23897738-G-C.
Other names: c.1549C>G, p.Leu517Val (NM_001407004.1); short protein forms L517V.
Identifiers: ClinVar variation 3706106 (VCV003706106.2).

ClinVar aggregate classification (germline): Uncertain significance (1 of 4 stars; one submission).

Conditions:
Hypertrophic cardiomyopathy. Also called: HYPERTROPHIC MYOCARDIOPATHY. Identifiers: Orphanet 217569, MedGen C0007194, MeSH D002312, MONDO:0005045, HP:0001639.

gnomAD v4.1: 1 of 1,614,072 alleles (0.000062%); no homozygotes.

Submission:

Labcorp Genetics (formerly Invitae), Labcorp
Classification: Uncertain significance for Hypertrophic cardiomyopathy. Last evaluated: 2024-09-12. Review status: criteria provided, single submitter. Criteria: Invitae Variant Classification Sherloc (09022015). Collection method: clinical testing. Allele origin: germline.
Comment: This sequence change replaces leucine, which is neutral and non-polar, with valine, which is neutral and non-polar, at codon 517 of the MYH7 protein (p.Leu517Val). This variant is not present in population databases (gnomAD no frequency). This variant has not been reported in the literature in individuals affected with MYH7-related conditions. Invitae Evidence Modeling of protein sequence and biophysical properties (such as structural, functional, and spatial information, amino acid conservation, physicochemical variation, residue mobility, and thermodynamic stability) indicates that this missense variant is expected to disrupt MYH7 protein function with a positive predictive value of 95%. In summary, the available evidence is currently insufficient to determine the role of this variant in disease. Therefore, it has been classified as a Variant of Uncertain Significance.